The following is an entry in ClinVar:

NM_020461.4(TUBGCP6):c.2996C>T (p.Ser999Leu)

Gene: TUBGCP6 (tubulin gamma complex component 6; minus strand). Cytogenetic location: 22q13.33.
Variant type: single nucleotide variant.
Coding change: c.2996C>T on transcript NM_020461.4 (MANE Select); coding-DNA position 2996, C replaced by T.
Protein change: p.Ser999Leu; replaces serine 999 with leucine.
Molecular consequence: missense variant.
Genome position (GRCh38, 1-based): chr22:50,221,363, G>A on the plus strand (C>T on the coding strand, the complement: TUBGCP6 is on the minus strand). VCF-style: chr22-50221363-G-A. GRCh37 (hg19) VCF-style: chr22-50659792-G-A.
Other names: short protein forms S999L.
Identifiers: ClinVar variation 1053750 (VCV001053750.6), dbSNP rs767848372, ClinGen allele CA10308076.

ClinVar aggregate classification (germline): Uncertain significance (1 of 4 stars; one submission).

Allele frequency attached by ClinVar (database versions not stated): ExAC 0.00002; gnomAD 0.00003; gnomAD exomes 0.00003 and 0.00005; TOPMed 0.00005.

Submission:

Labcorp Genetics (formerly Invitae), Labcorp
Classification: Uncertain significance. Last evaluated: 2021-08-27. Review status: criteria provided, single submitter. Criteria: Invitae Variant Classification Sherloc (09022015). Collection method: clinical testing. Allele origin: germline.
Comment: This sequence change replaces serine with leucine at codon 999 of the TUBGCP6 protein (p.Ser999Leu). The serine residue is weakly conserved and there is a large physicochemical difference between serine and leucine. This variant is present in population databases (rs767848372, ExAC 0.02%). This variant has not been reported in the literature in individuals affected with TUBGCP6-related conditions. Algorithms developed to predict the effect of missense changes on protein structure and function output the following: SIFT: "Deleterious"; PolyPhen-2: "Benign"; Align-GVGD: "Class C0". The leucine amino acid residue is found in multiple mammalian species, which suggests that this missense change does not adversely affect protein function. In summary, the available evidence is currently insufficient to determine the role of this variant in disease. Therefore, it has been classified as a Variant of Uncertain Significance.